The following is an entry in ClinVar:

ClinVar aggregate classification (germline): Conflicting classifications of pathogenicity. Review status: criteria provided, conflicting classifications (1 of 4 stars). 8 submissions from 8 submitters: Uncertain significance (7); Benign (1). Last evaluated 2025-12-17.

Conditions:
Cardiovascular phenotype. Identifiers: MedGen CN230736.
Arrhythmogenic cardiomyopathy with wooly hair and keratoderma. Also called: Dilated cardiomyopathy with woolly hair and keratoderma; PALMOPLANTAR KERATODERMA WITH LEFT VENTRICULAR CARDIOMYOPATHY AND WOOLLY HAIR; Carvajal syndrome; Arrhythmogenic cardiomyopathy with woolly hair and keratoderma. Identifiers: Orphanet 65282, MedGen C1854063, MONDO:0011581, OMIM 605676.
Arrhythmogenic right ventricular dysplasia 8 (ARVD8). Also called: ARRHYTHMOGENIC RIGHT VENTRICULAR DYSPLASIA, FAMILIAL, 8; ARRHYTHMOGENIC RIGHT VENTRICULAR CARDIOMYOPATHY 8; Arrhythmogenic Right Ventricular Dysplasia/Cardiomyopathy 8. Identifiers: MedGen C1843896, MONDO:0011831, OMIM 607450.
Keratosis palmoplantaris striata 2. Also called: Keratosis palmoplantaris striata II; KERATODERMA, PALMOPLANTAR, STRIATE FORM II; STRIATE PALMOPLANTAR KERATODERMA II. Identifiers: MedGen C1852127, MONDO:0013034, OMIM 612908.
Cardiomyopathy (CMYO). Also called: Cardiomyopathies. Identifiers: Orphanet 167848, MedGen C0878544, MONDO:0004994, HP:0001638. Inheritance: Various modes of inheritance.

Allele frequency attached by ClinVar (database versions not stated): gnomAD 0.00003 and 0.00002; gnomAD exomes 0.00004 and 0.00006; ExAC 0.00008; 1000 Genomes Project 30x 0.00016; 1000 Genomes Project 0.00020; TOPMed 0.00002.
gnomAD v4.1: 59 of 1,614,016 alleles (0.0037%); highest among the groups gnomAD compares: South Asian, 0.042%; 2 homozygotes.

Submissions (8):

Ambry Genetics
Classification: Uncertain significance for Cardiovascular phenotype. Last evaluated: 2025-12-17. Review status: criteria provided, single submitter. Criteria: Ambry Variant Classification Scheme 2023. Collection method: clinical testing. Allele origin: germline.
Comment: The p.R2151W variant (also known as c.6451C>T), located in coding exon 24 of the DSP gene, results from a C to T substitution at nucleotide position 6451. The arginine at codon 2151 is replaced by tryptophan, an amino acid with dissimilar properties. This amino acid position is highly conserved in available vertebrate species. In addition, this alteration is predicted to be deleterious by in silico analysis. Based on data from gnomAD, the frequency for this variant is above the maximum credible frequency for a disease-causing variant in this gene based on internally established thresholds (Karczewski et al. Nature. 2020 May;581(7809):434-443; Whiffin et al. Genet Med. 2017 10;19:1151-1158). Based on the available evidence, the clinical significance of this variant remains unclear.

Labcorp Genetics (formerly Invitae), Labcorp
Classification: Benign for Arrhythmogenic cardiomyopathy with wooly hair and keratoderma; Arrhythmogenic right ventricular dysplasia 8. Last evaluated: 2025-07-23. Review status: criteria provided, single submitter. Criteria: Invitae Variant Classification Sherloc (09022015). Collection method: clinical testing. Allele origin: germline.

Molecular Diagnostic Laboratory for Inherited Cardiovascular Disease, Montreal Heart Institute
Classification: Uncertain significance for Cardiovascular phenotype. Last evaluated: 2025-02-17. Review status: criteria provided, single submitter. Criteria: ACMG Guidelines, 2015. Collection method: clinical testing. Allele origin: germline. Affected: yes.

ARUP Laboratories, Molecular Genetics and Genomics, ARUP Laboratories
Classification: Uncertain significance. Last evaluated: 2024-11-12. Review status: criteria provided, single submitter. Criteria: ARUP Molecular Germline Variant Investigation Process 2024. Collection method: clinical testing. Allele origin: germline.
Comment: The DSP c.6451C>T; p.Arg2151Trp variant (rs181608152, ClinVar Variation ID: 534285) is reported in the literature in one individual affected with cardiomyopathy (Akinrinade 2023). This variant is found primarily in the South Asian population with an allele frequency of 0.05% (15/30612 alleles, including 1 homozygote) in the Genome Aggregation Database (v2.1.1). Computational analyses predict that this variant is deleterious (REVEL: 0.837). Due to limited information, the clinical significance of this variant is uncertain at this time. References: Akinrinade O et al. Age and Sex Differences in the Genetics of Cardiomyopathy. J Cardiovasc Transl Res. 2023 Dec;16(6):1287-1302. PMID: 37477868.

All of Us Research Program, National Institutes of Health
Classification: Uncertain significance for Arrhythmogenic cardiomyopathy with wooly hair and keratoderma. Last evaluated: 2024-08-13. Review status: criteria provided, single submitter. Criteria: ACMG Guidelines, 2015. Collection method: clinical testing. Allele origin: germline. Inheritance: Autosomal dominant inheritance. Observed: 7 variant alleles, 7 heterozygotes.
Comment: This missense variant replaces arginine with tryptophan at codon 2151 of the DSP protein. Computational prediction tools indicate that this variant has a deleterious impact on protein structure and function. To our knowledge, functional studies have not been reported for this variant. This variant has been reported in one individual affected with cardiomyopathy (PMID: 37477868). This variant has been identified in 17/282560 chromosomes in the general population by the Genome Aggregation Database (gnomAD). The available evidence is insufficient to determine the role of this variant in disease conclusively. Therefore, this variant is classified as a Variant of Uncertain Significance.

This study involves interpretation of variants in research participants for the purpose of population health screening. Participant phenotype was not available at the time of variant classification. Additional details can be found in publication PMID: 35346344, PMCID: PMC8962531

Color Diagnostics, LLC DBA Color Health
Classification: Uncertain significance for Cardiomyopathy. Last evaluated: 2024-02-12. Review status: criteria provided, single submitter. Criteria: ACMG Guidelines, 2015. Collection method: clinical testing. Allele origin: germline.
Comment: This missense variant replaces arginine with tryptophan at codon 2151 of the DSP protein. Computational prediction tools indicate that this variant has a deleterious impact on protein structure and function. To our knowledge, functional studies have not been reported for this variant. This variant has been reported in one individual affected with cardiomyopathy (PMID: 37477868). This variant has been identified in 17/282560 chromosomes in the general population by the Genome Aggregation Database (gnomAD). The available evidence is insufficient to determine the role of this variant in disease conclusively. Therefore, this variant is classified as a Variant of Uncertain Significance.

Neuberg Centre For Genomic Medicine, NCGM
Classification: Uncertain significance for Keratosis palmoplantaris striata 2. Last evaluated: 2024-02-01. Review status: criteria provided, single submitter. Criteria: ACMG Guidelines, 2015. Collection method: clinical testing. Allele origin: germline. Inheritance: Autosomal dominant inheritance. Affected: yes.
Comment: The missense variant c.6451C>T (p.Arg2151Trp) in the DSP gene has not been reported previously as a pathogenic variant nor as a benign variant, to our knowledge. This variant is reported with the allele frequency (0.006%) in the gnomAD Exomes. This variant has been reported to the ClinVar database as Uncertain Significance/ Likely Benign. The amino acid Arg at position 2151 is changed to a Trp changing protein sequence and it might alter its composition and physico-chemical properties. Multiple lines of computational evidence (Polyphen - Damaging, SIFT - Damaging and MutationTaster - Disease causing) predict a damaging effect on protein structure and function for this variant. The residue is conserved by GERP++ and PhyloP across 100 vertebrates. For these reasons, this variant has been classified as Uncertain Significance.

GeneDx
Classification: Uncertain significance. Last evaluated: 2019-07-31. Review status: criteria provided, single submitter. Criteria: GeneDx Variant Classification Process June 2021. Collection method: clinical testing. Allele origin: germline. Affected: yes.
Comment: In silico analysis, which includes protein predictors and evolutionary conservation, supports a deleterious effect; Has not been previously published as pathogenic or benign to our knowledge

Literature cited by the submitters: PubMed 37477868 (cited by All of Us Research Program, National Institutes of Health and Color Diagnostics, LLC DBA Color Health).

NM_004415.4(DSP):c.6451C>T (p.Arg2151Trp)

Gene: DSP (desmoplakin; plus strand). Cytogenetic location: 6p24.3.
Variant type: single nucleotide variant.
Coding change: c.6451C>T on transcript NM_004415.4 (MANE Select); coding-DNA position 6451, C replaced by T.
Protein change: p.Arg2151Trp; replaces arginine 2151 with tryptophan.
Molecular consequence: missense variant.
Genome position (GRCh38, 1-based): chr6:7,583,713, C>T. VCF-style: chr6-7583713-C-T. GRCh37 (hg19) VCF-style: chr6-7583946-C-T.
Other names: c.6451C>T (LRG_423t1, NM_004415.3); c.4654C>T, p.Arg1552Trp (NM_001008844.3); c.5122C>T, p.Arg1708Trp (NM_001319034.2); short protein forms R2151W, R1708W, R1552W.
Identifiers: ClinVar variation 534285 (VCV000534285.21), dbSNP rs181608152, ClinGen allele CA047718.